The following is an entry in ClinVar:

ClinVar aggregate classification (germline): Uncertain significance. Review status: criteria provided, multiple submitters, no conflicts (2 of 4 stars). 4 submissions from 4 submitters: Uncertain significance (3). 1 of the submissions does not count toward it. Last evaluated 2024-10-14.

Conditions:
Cardiovascular phenotype. Identifiers: MedGen CN230736.
Walker-Warburg congenital muscular dystrophy. Also called: Muscular dystrophy-dystroglycanopathy, type A; Walker-Warburg syndrome. Identifiers: Orphanet 899, MedGen C0265221, MONDO:0000171.
Dilated cardiomyopathy 1X (CMD1X). Also called: FKTN-Related Dilated Cardiomyopathy; CARDIOMYOPATHY, DILATED, WITH MILD OR NO PROXIMAL MUSCLE WEAKNESS. Identifiers: Orphanet 154, MedGen C1969024, MONDO:0012704, OMIM 611615.
Muscular dystrophy-dystroglycanopathy (congenital with brain and eye anomalies), type A, 4 (MDDGA4). Also called: Fukuyama congenital muscular dystrophy; Walker-Warburg Syndrome, Fktn-Related; Congenital muscular dystrophy-dystroglycanopathy with brain and eye anomalies, type A4; WALKER-WARBURG SYNDROME OR MUSCLE-EYE-BRAIN DISEASE, FKTN-RELATED; Muscular dystrophy, congenital progressive, with mental retardation; Muscular dystrophy, congenital, with central nervous system involvement. Identifiers: Orphanet 272, Orphanet 588, Orphanet 899, MedGen C0410174, MONDO:0009678, OMIM 253800.
Muscular dystrophy-dystroglycanopathy (congenital with brain and eye anomalies), type A1 (MDDGA1). Also called: WALKER-WARBURG SYNDROME OR MUSCLE-EYE-BRAIN DISEASE, POMT1-RELATED; Hydrocephalus, agyria and retinal dysplasia; Hard +/- E syndrome; Warburg syndrome; Chemke syndrome; Pagon syndrome. Identifiers: Orphanet 588, Orphanet 899, MedGen C4284790, MONDO:0009364, OMIM 236670.
Autosomal recessive limb-girdle muscular dystrophy type 2M. Also called: MUSCULAR DYSTROPHY, LIMB-GIRDLE, TYPE 2M; MUSCULAR DYSTROPHY-DYSTROGLYCANOPATHY (LIMB-GIRDLE), TYPE C, 4. Identifiers: Orphanet 206554, MedGen C1969040, MONDO:0012699, OMIM 611588.
Muscular dystrophy-dystroglycanopathy (congenital without impaired intellectual development), type B, 4. Also called: MUSCULAR DYSTROPHY, CONGENITAL, FKTN-RELATED; Muscular dystrophy-dystroglycanopathy (congenital without intellectual disability), type B4. Identifiers: MedGen C2751052, MONDO:0013156, OMIM 613152.

Allele frequency attached by ClinVar (database versions not stated): gnomAD exomes 0.00003 and 0.00006; TOPMed 0.00003; ExAC 0.00001; gnomAD 0.00003.
gnomAD v4.1: 92 of 1,614,024 alleles (0.0057%); highest among the groups gnomAD compares: Non-Finnish European, 0.0076%; no homozygotes.

Submissions (4):

Ambry Genetics
Classification: Uncertain significance for Cardiovascular phenotype. Last evaluated: 2024-10-14. Review status: criteria provided, single submitter. Criteria: Ambry Variant Classification Scheme 2023. Collection method: clinical testing. Allele origin: germline.
Comment: The p.E453K variant (also known as c.1357G>A), located in coding exon 9 of the FKTN gene, results from a G to A substitution at nucleotide position 1357. The glutamic acid at codon 453 is replaced by lysine, an amino acid with similar properties. This amino acid position is well conserved in available vertebrate species. In addition, the in silico prediction for this alteration is inconclusive. Since supporting evidence is limited at this time, the clinical significance of this alteration remains unclear.

Labcorp Genetics (formerly Invitae), Labcorp
Classification: Uncertain significance for Walker-Warburg congenital muscular dystrophy. Last evaluated: 2022-04-06. Review status: criteria provided, single submitter. Criteria: Invitae Variant Classification Sherloc (09022015). Collection method: clinical testing. Allele origin: germline.
Comment: This sequence change replaces glutamic acid, which is acidic and polar, with lysine, which is basic and polar, at codon 453 of the FKTN protein (p.Glu453Lys). This variant is present in population databases (rs759936979, gnomAD 0.007%). This variant has not been reported in the literature in individuals affected with FKTN-related conditions. ClinVar contains an entry for this variant (Variation ID: 852451). Algorithms developed to predict the effect of missense changes on protein structure and function are either unavailable or do not agree on the potential impact of this missense change (SIFT: "Deleterious"; PolyPhen-2: "Possibly Damaging"; Align-GVGD: "Class C0"). In summary, the available evidence is currently insufficient to determine the role of this variant in disease. Therefore, it has been classified as a Variant of Uncertain Significance.

Fulgent Genetics
Classification: Uncertain significance for Muscular dystrophy-dystroglycanopathy (congenital with brain and eye anomalies), type A1; Muscular dystrophy-dystroglycanopathy (congenital with brain and eye anomalies), type A, 4; Autosomal recessive limb-girdle muscular dystrophy type 2M; Dilated cardiomyopathy 1X; Muscular dystrophy-dystroglycanopathy (congenital without impaired intellectual development), type B, 4. Last evaluated: 2021-10-11. Review status: criteria provided, single submitter. Criteria: ACMG Guidelines, 2015. Collection method: clinical testing. Allele origin: unknown.

Natera, Inc.
Classification: Uncertain significance for Walker-Warburg congenital muscular dystrophy. Last evaluated: 2020-04-14. Review status: no assertion criteria provided. Collection method: clinical testing. Allele origin: germline. Not counted in ClinVar's aggregate classification.

NM_001079802.2(FKTN):c.1357G>A (p.Glu453Lys)

Gene: FKTN (fukutin; plus strand). Cytogenetic location: 9q31.2.
Variant type: single nucleotide variant.
Coding change: c.1357G>A on transcript NM_001079802.2 (MANE Select); coding-DNA position 1357, G replaced by A.
Protein change: p.Glu453Lys; replaces glutamic acid 453 with lysine.
Molecular consequence: missense variant. On other transcripts: 3 prime UTR variant (1), non-coding transcript variant (2), intron variant (1).
Genome position (GRCh38, 1-based): chr9:105,635,235, G>A. VCF-style: chr9-105635235-G-A. GRCh37 (hg19) VCF-style: chr9-108397516-G-A.
Other names: c.1357G>A, p.Glu453Lys (NM_001351496.2, NM_006731.2); c.1288G>A, p.Glu430Lys (NM_001351497.2); c.*149G>A (NM_001351498.2); c.961G>A, p.Glu321Lys (NM_001351499.2, NM_001351500.2, NM_001351501.2 and 1 more transcripts); c.1270+87G>A (NM_001198963.2); short protein forms E430K, E321K, E453K.
Identifiers: ClinVar variation 852451 (VCV000852451.11), dbSNP rs759936979, ClinGen allele CA5170618.